The following is an entry in ClinVar:

ClinVar aggregate classification (germline): Pathogenic (1 of 4 stars; one submission).

Conditions:
Glycogen storage disease type III (GSD3). Also called: Cori disease; FORBES DISEASE. Identifiers: Orphanet 366, MedGen C0017922, MONDO:0009291, OMIM 232400.

Submission:

Labcorp Genetics (formerly Invitae), Labcorp
Classification: Pathogenic for Glycogen storage disease type III. Last evaluated: 2023-11-02. Review status: criteria provided, single submitter. Criteria: Invitae Variant Classification Sherloc (09022015). Collection method: clinical testing. Allele origin: germline.
Comment: This sequence change creates a premature translational stop signal (p.Phe717Leufs*13) in the AGL gene. It is expected to result in an absent or disrupted protein product. Loss-of-function variants in AGL are known to be pathogenic (PMID: 19299494). This variant is not present in population databases (gnomAD no frequency). This premature translational stop signal has been observed in individual(s) with glycogen storage disease (PMID: 26913919). For these reasons, this variant has been classified as Pathogenic.

Literature cited by the submitters: PubMed 19299494; PubMed 26913919.

NM_000642.3(AGL):c.2151del (p.Phe717fs)

Gene: AGL (amylo-alpha-1,6-glucosidase and 4-alpha-glucanotransferase; plus strand). Cytogenetic location: 1p21.2.
Variant type: Deletion.
Coding change: c.2151del on transcript NM_000642.3 (MANE Select); coding-DNA position 2151, one base deleted (T; older notation c.2151delT).
Protein change: p.Phe717fs; shifts the reading frame from phenylalanine 717.
Molecular consequence: frameshift variant.
Genome position (GRCh38, 1-based): chr1:99,881,441, T deleted; the last of 4 consecutive T bases (chr1:99,881,438-99,881,441); deleting any one gives the same sequence. VCF-style (leftmost placement, unchanged base first): chr1-99881437-GT-G. GRCh37 (hg19) VCF-style: chr1-100346993-GT-G.
Other names: c.1773delT, p.Phe591Leufs (NM_001425332.1); c.2151delT, p.Phe717Leufs (NM_000643.3, NM_000644.3, NM_001425325.1 and 2 more transcripts); c.2103delT, p.Phe701Leufs (NM_000646.3); c.1950delT, p.Phe650Leufs (NM_001425327.1); c.1947delT, p.Phe649Leufs (NM_001425328.1, NM_001425329.1); short protein forms F717fs, F701fs.
Identifiers: ClinVar variation 2733957 (VCV002733957.3), dbSNP rs2524652518, ClinGen allele CA2554939933.